The following is an entry in ClinVar:

ClinVar aggregate classification (germline): Uncertain significance (1 of 4 stars; one submission).

gnomAD v4.1: 5 of 1,614,208 alleles (0.00031%); highest among the groups gnomAD compares: Non-Finnish European, 0.00042%; no homozygotes.

Submission:

Labcorp Genetics (formerly Invitae), Labcorp
Classification: Uncertain significance. Last evaluated: 2025-05-24. Review status: criteria provided, single submitter. Criteria: Invitae Variant Classification Sherloc (09022015). Collection method: clinical testing. Allele origin: germline.
Comment: This sequence change replaces valine, which is neutral and non-polar, with isoleucine, which is neutral and non-polar, at codon 425 of the CFB protein (p.Val425Ile). This variant is not present in population databases (gnomAD no frequency). This variant has not been reported in the literature in individuals affected with CFB-related conditions. An algorithm developed to predict the effect of missense changes on protein structure and function outputs the following: PolyPhen-2: "Benign". The isoleucine amino acid residue is found in multiple mammalian species, which suggests that this missense change does not adversely affect protein function. In summary, the available evidence is currently insufficient to determine the role of this variant in disease. Therefore, it has been classified as a Variant of Uncertain Significance.

NM_001710.6(CFB):c.1273G>A (p.Val425Ile)

Gene: CFB (complement factor B; plus strand). Cytogenetic location: 6p21.33.
Variant type: single nucleotide variant.
Coding change: c.1273G>A on transcript NM_001710.6 (MANE Select); coding-DNA position 1273, G replaced by A.
Protein change: p.Val425Ile; replaces valine 425 with isoleucine.
Molecular consequence: missense variant.
Genome position (GRCh38, 1-based): chr6:31,949,422, G>A. VCF-style: chr6-31949422-G-A. GRCh37 (hg19) VCF-style: chr6-31917199-G-A.
Other names: short protein forms V425I.
Identifiers: ClinVar variation 4768833 (VCV004768833.1).